The following is an entry in ClinVar:

NM_001754.5(RUNX1):c.54G>A (p.Met18Ile)

Gene: RUNX1 (RUNX family transcription factor 1; minus strand). Cytogenetic location: 21q22.12.
Variant type: single nucleotide variant.
Coding change: c.54G>A on transcript NM_001754.5 (MANE Select); coding-DNA position 54, G replaced by A.
Protein change: p.Met18Ile; replaces methionine 18 with isoleucine.
Molecular consequence: missense variant.
Genome position (GRCh38, 1-based): chr21:35,048,846, C>T on the plus strand (G>A on the coding strand, the complement: RUNX1 is on the minus strand). VCF-style: chr21-35048846-C-T. GRCh37 (hg19) VCF-style: chr21-36421143-C-T.
Other names: short protein forms M18I.
Identifiers: ClinVar variation 4774761 (VCV004774761.1).

ClinVar aggregate classification (germline): Uncertain significance (1 of 4 stars; one submission).

Conditions:
Hereditary thrombocytopenia and hematological cancer predisposition syndrome associated with RUNX1. Also called: Familial Platelet Disorder with Propensity to Acute Myelogenous Leukemia; Familial thrombocytopenia with propensity to acute myelogenous leukemia; PLATELET DISORDER, ASPIRIN-LIKE; RUNX1 Familial Platelet Disorder with Associated Myeloid Malignancies. Identifiers: Orphanet 71290, MedGen C1832388, MeSH C563324, MONDO:0100083, OMIM 601399.

Submission:

Labcorp Genetics (formerly Invitae), Labcorp
Classification: Uncertain significance for Hereditary thrombocytopenia and hematological cancer predisposition syndrome associated with RUNX1. Last evaluated: 2025-12-29. Review status: criteria provided, single submitter. Criteria: Invitae Variant Classification Sherloc (09022015). Collection method: clinical testing. Allele origin: germline.
Comment: This sequence change replaces methionine, which is neutral and non-polar, with isoleucine, which is neutral and non-polar, at codon 18 of the RUNX1 protein (p.Met18Ile). This variant is not present in population databases (gnomAD no frequency). This variant has not been reported in the literature in individuals affected with RUNX1-related conditions. An algorithm developed to predict the effect of missense changes on protein structure and function (PolyPhen-2) suggests that this variant is likely to be tolerated. In summary, the available evidence is currently insufficient to determine the role of this variant in disease. Therefore, it has been classified as a Variant of Uncertain Significance.